The following is an entry in ClinVar:

NM_005902.4(SMAD3):c.46C>G (p.Leu16Val)

Gene: SMAD3 (SMAD family member 3; plus strand). Cytogenetic location: 15q22.33.
Variant type: single nucleotide variant.
Coding change: c.46C>G on transcript NM_005902.4 (MANE Select); coding-DNA position 46, C replaced by G.
Protein change: p.Leu16Val; replaces leucine 16 with valine.
Molecular consequence: missense variant.
Genome position (GRCh38, 1-based): chr15:67,066,200, C>G. VCF-style: chr15-67066200-C-G. GRCh37 (hg19) VCF-style: chr15-67358538-C-G.
Other names: short protein forms L16V.
Identifiers: ClinVar variation 1172164 (VCV001172164.4), dbSNP rs2140188791, ClinGen allele CA393202758.

ClinVar aggregate classification (germline): Uncertain significance. Review status: criteria provided, multiple submitters, no conflicts (2 of 4 stars). 3 submissions from 3 submitters: Uncertain significance (3). Last evaluated 2024-04-08.

Conditions:
Familial thoracic aortic aneurysm and aortic dissection (TAAD). Also called: Thoracic aortic aneurysms and dissections. Identifiers: Orphanet 91387, MedGen C4707243, MONDO:0019625.
Aneurysm-osteoarthritis syndrome. Also called: ANEURYSMS-OSTEOARTHRITIS SYNDROME; Loeys-Dietz syndrome, type 1C; SMAD3-Related Loeys-Dietz Syndrome; LOEYS-DIETZ SYNDROME WITH OSTEOARTHRITIS. Identifiers: Orphanet 284984, MedGen C3151087, MONDO:0013426, OMIM 613795.

Allele frequency attached by ClinVar (database versions not stated): gnomAD exomes below 0.00001.
gnomAD v4.1: 1 of 1,612,454 alleles (0.000062%); highest among the groups gnomAD compares: Non-Finnish European, 0.000085%; no homozygotes.

Submissions (3):

Ambry Genetics
Classification: Uncertain significance for Familial thoracic aortic aneurysm and aortic dissection. Last evaluated: 2024-04-08. Review status: criteria provided, single submitter. Criteria: Ambry Variant Classification Scheme 2023. Collection method: clinical testing. Allele origin: germline.
Comment: The p.L16V variant (also known as c.46C>G), located in coding exon 1 of the SMAD3 gene, results from a C to G substitution at nucleotide position 46. The leucine at codon 16 is replaced by valine, an amino acid with highly similar properties. This amino acid position is conserved. In addition, this alteration is predicted to be tolerated by in silico analysis. Based on the available evidence, the clinical significance of this variant remains unclear.

All of Us Research Program, National Institutes of Health
Classification: Uncertain significance for Aneurysm-osteoarthritis syndrome. Last evaluated: 2023-04-15. Review status: criteria provided, single submitter. Criteria: ACMG Guidelines, 2015. Collection method: clinical testing. Allele origin: germline. Inheritance: Autosomal dominant inheritance. Observed: 1 variant allele, 1 heterozygote.
Comment: This missense variant replaces leucine with valine at codon 16 of the SMAD3 protein. Computational prediction suggests that this variant may not impact protein structure and function (internally defined REVEL score threshold <= 0.5, PMID: 27666373). To our knowledge, functional studies have not been reported for this variant. This variant has not been reported in individuals affected with cardiovascular disorders in the literature. This variant has not been identified in the general population by the Genome Aggregation Database (gnomAD). The available evidence is insufficient to determine the role of this variant in disease conclusively. Therefore, this variant is classified as a Variant of Uncertain Significance.

This study involves interpretation of variants in research participants for the purpose of population health screening. Participant phenotype was not available at the time of variant classification. Additional details can be found in publication PMID: 35346344, PMCID: PMC8962531

Color Diagnostics, LLC DBA Color Health
Classification: Uncertain significance for Familial thoracic aortic aneurysm and aortic dissection. Last evaluated: 2021-01-05. Review status: criteria provided, single submitter. Criteria: ACMG Guidelines, 2015. Collection method: clinical testing. Allele origin: germline.
Comment: This missense variant replaces leucine with valine at codon 16 of the SMAD3 protein. Computational prediction suggests that this variant may not impact protein structure and function (internally defined REVEL score threshold <= 0.5, PMID: 27666373). To our knowledge, functional studies have not been reported for this variant. This variant has not been reported in individuals affected with cardiovascular disorders in the literature. This variant has not been identified in the general population by the Genome Aggregation Database (gnomAD). The available evidence is insufficient to determine the role of this variant in disease conclusively. Therefore, this variant is classified as a Variant of Uncertain Significance.